The following is an entry in ClinVar:

NM_001371928.1(AHDC1):c.1172A>G (p.Lys391Arg)

Gene: AHDC1 (AT-hook DNA binding motif containing 1; minus strand). Cytogenetic location: 1p36.11.
Variant type: single nucleotide variant.
Coding change: c.1172A>G on transcript NM_001371928.1 (MANE Select); coding-DNA position 1172, A replaced by G.
Protein change: p.Lys391Arg; replaces lysine 391 with arginine.
Molecular consequence: missense variant.
Genome position (GRCh38, 1-based): chr1:27,550,944, T>C on the plus strand (A>G on the coding strand, the complement: AHDC1 is on the minus strand). VCF-style: chr1-27550944-T-C. GRCh37 (hg19) VCF-style: chr1-27877455-T-C.
Other names: c.1172A>G, p.Lys391Arg (NM_001029882.3); short protein forms K391R.
Identifiers: ClinVar variation 2690472 (VCV002690472.4), dbSNP rs778160773, ClinGen allele CA716003.

ClinVar aggregate classification (germline): Conflicting classifications of pathogenicity. Review status: criteria provided, conflicting classifications (1 of 4 stars). 2 submissions from 2 submitters: Uncertain significance (1); Likely benign (1). Last evaluated 2025-01-25.

Conditions:
AHDC1-related intellectual disability - obstructive sleep apnea - mild dysmorphism syndrome. Also called: Xia-Gibbs syndrome. Identifiers: Orphanet 412069, MedGen C4014419, MONDO:0014358, OMIM 615829.

Allele frequency attached by ClinVar (database versions not stated): TOPMed below 0.00001; gnomAD 0.00002; gnomAD exomes 0.00003; ExAC 0.00008.
gnomAD v4.1: 46 of 1,599,078 alleles (0.0029%); highest among the groups gnomAD compares: Middle Eastern, 0.066%; no homozygotes.

Submissions (2):

Labcorp Genetics (formerly Invitae), Labcorp
Classification: Uncertain significance. Last evaluated: 2025-01-25. Review status: criteria provided, single submitter. Criteria: Invitae Variant Classification Sherloc (09022015). Collection method: clinical testing. Allele origin: germline.
Comment: This sequence change replaces lysine, which is basic and polar, with arginine, which is basic and polar, at codon 391 of the AHDC1 protein (p.Lys391Arg). This variant is present in population databases (rs778160773, gnomAD 0.04%), and has an allele count higher than expected for a pathogenic variant. This variant has not been reported in the literature in individuals affected with AHDC1-related conditions. ClinVar contains an entry for this variant (Variation ID: 2690472). An algorithm developed to predict the effect of missense changes on protein structure and function (PolyPhen-2) suggests that this variant is likely to be disruptive. In summary, the available evidence is currently insufficient to determine the role of this variant in disease. Therefore, it has been classified as a Variant of Uncertain Significance.

Revvity Omics, Revvity
Classification: Likely benign for AHDC1-related intellectual disability - obstructive sleep apnea - mild dysmorphism syndrome. Last evaluated: 2023-11-01. Review status: criteria provided, single submitter. Criteria: ACMG Guidelines, 2015. Collection method: clinical testing. Allele origin: germline.